The following is an entry in ClinVar:

ClinVar aggregate classification (germline): Likely benign. Review status: criteria provided, single submitter (1 of 4 stars). 2 submissions from 2 submitters: Likely benign (1). 1 of the submissions does not count toward it. Last evaluated 2020-11-15.

Conditions:
FLNA-related disorder.
Familial thoracic aortic aneurysm and aortic dissection (TAAD). Also called: Thoracic aortic aneurysms and dissections. Identifiers: Orphanet 91387, MedGen C4707243, MONDO:0019625.

Allele frequency attached by ClinVar (database versions not stated): gnomAD exomes below 0.00001.
gnomAD v4.1: 3 of 1,211,681 alleles (0.00025%); highest among the groups gnomAD compares: Non-Finnish European, 0.00034%; no homozygotes.

Submissions (2):

Ambry Genetics
Classification: Likely benign for Familial thoracic aortic aneurysm and aortic dissection. Last evaluated: 2020-11-15. Review status: criteria provided, single submitter. Criteria: Ambry Variant Classification Scheme 2023. Collection method: clinical testing. Allele origin: germline.

PreventionGenetics, part of Exact Sciences
Classification: Likely benign for FLNA-related condition. Last evaluated: 2023-06-20. Review status: no assertion criteria provided. Collection method: clinical testing. Allele origin: germline. Not counted in ClinVar's aggregate classification.
Comment: This variant is classified as likely benign based on ACMG/AMP sequence variant interpretation guidelines (Richards et al. 2015 PMID: 25741868, with internal and published modifications).

NM_001110556.2(FLNA):c.6180C>T (p.Gly2060=)

Gene: FLNA (filamin A; minus strand). Cytogenetic location: Xq28.
Variant type: single nucleotide variant.
Coding change: c.6180C>T on transcript NM_001110556.2 (MANE Select); coding-DNA position 6180, C replaced by T.
Protein change: p.Gly2060=; no amino-acid change (glycine 2060 retained).
Molecular consequence: synonymous variant.
Genome position (GRCh38, 1-based): chrX:154,353,047, G>A on the plus strand (C>T on the coding strand, the complement: FLNA is on the minus strand). VCF-style: chrX-154353047-G-A. GRCh37 (hg19) VCF-style: chrX-153581415-G-A.
Other names: c.6156C>T, p.Gly2052= (NM_001456.4); c.6180C>T (NM_001110556.1).
Identifiers: ClinVar variation 1751905 (VCV001751905.4), dbSNP rs2522722985, ClinGen allele CA519706170.
Genomic context (GRCh38, chrX:154,353,047, plus strand): 5'-CAGCCACTGCCTACCTGCATCGCGGGTATCAATGATAAACTCTGCAGGCTCAAAGGTGTG[G>A]CCTTCGTGAAGGCCCTGACCAGAGACCCGAACACGACTGGCATCCCCAATTTCCGACTGG-3'
Protein context (NP_001104026.1, residues 2050-2070): VRVSGQGLHE[Gly2060=]HTFEPAEFII